The following is an entry in ClinVar:

NM_016122.3(CEP83):c.1982C>T (p.Pro661Leu)

Gene: CEP83 (centrosomal protein 83; minus strand). Cytogenetic location: 12q22.
Variant type: single nucleotide variant.
Coding change: c.1982C>T on transcript NM_016122.3 (MANE Select); coding-DNA position 1982, C replaced by T.
Protein change: p.Pro661Leu; replaces proline 661 with leucine.
Molecular consequence: missense variant. On other transcripts: non-coding transcript variant (2).
Genome position (GRCh38, 1-based): chr12:94,309,937, G>A on the plus strand (C>T on the coding strand, the complement: CEP83 is on the minus strand). VCF-style: chr12-94309937-G-A. GRCh37 (hg19) VCF-style: chr12-94703713-G-A.
Other names: c.1982C>T, p.Pro661Leu (NM_001042399.2, NM_001346457.2, NM_001368037.1 and 1 more transcripts); c.1670C>T, p.Pro557Leu (NM_001346458.2, NM_001346459.2, NM_001368039.1 and 1 more transcripts); c.1757C>T, p.Pro586Leu (NM_001368041.1); short protein forms P586L, P557L, P661L.
Identifiers: ClinVar variation 1358890 (VCV001358890.7), dbSNP rs369393274, ClinGen allele CA6721515.

ClinVar aggregate classification (germline): Uncertain significance (1 of 4 stars; one submission).

Conditions:
Nephronophthisis 18 (NPHP18). Identifiers: Orphanet 655, MedGen C3890591, MONDO:0014374, OMIM 615862.

Allele frequency attached by ClinVar (database versions not stated): gnomAD 0.00001; TOPMed 0.00004; gnomAD exomes 0.00009; ExAC 0.00015; ESP Exome Variant Server 0.00025.
gnomAD v4.1: 109 of 1,602,184 alleles (0.0068%); highest among the groups gnomAD compares: Non-Finnish European, 0.0087%; no homozygotes.

Submission:

Labcorp Genetics (formerly Invitae), Labcorp
Classification: Uncertain significance for Nephronophthisis 18. Last evaluated: 2022-07-19. Review status: criteria provided, single submitter. Criteria: Invitae Variant Classification Sherloc (09022015). Collection method: clinical testing. Allele origin: germline.
Comment: In summary, the available evidence is currently insufficient to determine the role of this variant in disease. Therefore, it has been classified as a Variant of Uncertain Significance. Algorithms developed to predict the effect of missense changes on protein structure and function are either unavailable or do not agree on the potential impact of this missense change (SIFT: "Not Available"; PolyPhen-2: "Benign"; Align-GVGD: "Not Available"). ClinVar contains an entry for this variant (Variation ID: 1358890). This variant has not been reported in the literature in individuals affected with CEP83-related conditions. This variant is present in population databases (rs369393274, gnomAD 0.02%). This sequence change replaces proline, which is neutral and non-polar, with leucine, which is neutral and non-polar, at codon 661 of the CEP83 protein (p.Pro661Leu).